The following is an entry in ClinVar:

ClinVar aggregate classification (germline): Uncertain significance (1 of 4 stars; one submission).

Submission:

Greenwood Genetic Center Diagnostic Laboratories, Greenwood Genetic Center
Classification: Uncertain significance. Last evaluated: 2025-04-28. Review status: criteria provided, single submitter. Criteria: ACMG Guidelines, 2015. Collection method: clinical testing. Allele origin: germline. Affected: yes.
Comment: Gene of Uncertain Significance

NM_016061.3(YPEL5):c.101G>A (p.Arg34His)

Gene: YPEL5 (yippee like 5; plus strand). Cytogenetic location: 2p23.1.
Variant type: single nucleotide variant.
Coding change: c.101G>A on transcript NM_016061.3 (MANE Select); coding-DNA position 101, G replaced by A.
Protein change: p.Arg34His; replaces arginine 34 with histidine.
Molecular consequence: missense variant.
Genome position (GRCh38, 1-based): chr2:30,156,752, G>A. VCF-style: chr2-30156752-G-A. GRCh37 (hg19) VCF-style: chr2-30379618-G-A.
Other names: c.101G>A, p.Arg34His (NM_001127399.2, NM_001127400.2, NM_001127401.2); short protein forms R34H.
Identifiers: ClinVar variation 4538192 (VCV004538192.1).
Genomic context (GRCh38, chr2:30,156,752, plus strand): 5'-TGTTTTCTTGTGCAAACTGTGATACGATCCTGACCAACCGCTCAGAACTCATCTCCACTC[G>A]TTTCACAGGCGCCACTGGCAGAGCATTTCTTTTTAACAAGGTTAGTGAGAAAAAGTTTGA-3'
Protein context (NP_057145.1, residues 24-44): LTNRSELIST[Arg34His]FTGATGRAFL